The following is an entry in ClinVar:

NM_004380.3(CREBBP):c.270C>T (p.Ser90=)

Gene: CREBBP (CREB binding lysine acetyltransferase; minus strand). Cytogenetic location: 16p13.3.
Variant type: single nucleotide variant.
Coding change: c.270C>T on transcript NM_004380.3 (MANE Select); coding-DNA position 270, C replaced by T.
Protein change: p.Ser90=; no amino-acid change (serine 90 retained).
Molecular consequence: synonymous variant.
Genome position (GRCh38, 1-based): chr16:3,850,825, G>A on the plus strand (C>T on the coding strand, the complement: CREBBP is on the minus strand). VCF-style: chr16-3850825-G-A. GRCh37 (hg19) VCF-style: chr16-3900826-G-A.
Other names: c.270C>T (NM_004380.2); c.270C>T, p.Ser90= (NM_001079846.1).
Identifiers: ClinVar variation 1946552 (VCV001946552.7), dbSNP rs748030826, ClinGen allele CA7870711.
Genomic context (GRCh38, chr16:3,850,825, plus strand): 5'-AGCACTGTTCGGCTGCCCTTGAGCCTGGCCACCCAGGCCCTGCTGCACGGGGCTGCTGGC[G>A]CTCACATTTCCTATTCCTGGGTTGATACTAGAGCCGCTGCCTCCTCGTAGAAGCTCCGAC-3'
Protein context (NP_004371.2, residues 80-100): SSINPGIGNV[Ser90=]ASSPVQQGLG

ClinVar aggregate classification (germline): Conflicting classifications of pathogenicity. Review status: criteria provided, conflicting classifications (1 of 4 stars). 3 submissions from 3 submitters: Uncertain significance (1); Benign (1); Likely benign (1). Last evaluated 2025-04-18.

Conditions:
Rubinstein-Taybi syndrome (RSTS). Identifiers: Orphanet 783, MedGen C0035934, MONDO:0019188.
CREBBP-related disorder. Also called: CREBBP-related disorders; CREBBP-related condition.

Allele frequency attached by ClinVar (database versions not stated): ExAC 0.00001.
gnomAD v4.1: 10 of 1,613,964 alleles (0.00062%); highest among the groups gnomAD compares: Admixed American, 0.005%; no homozygotes.

Submissions (3):

Labcorp Genetics (formerly Invitae), Labcorp
Classification: Benign for Rubinstein-Taybi syndrome. Last evaluated: 2025-04-18. Review status: criteria provided, single submitter. Criteria: Invitae Variant Classification Sherloc (09022015). Collection method: clinical testing. Allele origin: germline.

PreventionGenetics, part of Exact Sciences
Classification: Uncertain significance for CREBBP-related condition. Last evaluated: 2024-12-30. Review status: criteria provided, single submitter. Criteria: ACMG Guidelines, 2015. Collection method: clinical testing. Allele origin: germline.
Comment: The CREBBP c.270C>T variant is not predicted to result in an amino acid change (p.=). This variant is predicted to alter splicing based on available splicing prediction programs (SpliceAI, Jaganathan et al. 2019. PubMed ID: 30661751). However, such computer prediction programs are imperfect. To our knowledge, this variant has not been reported in the literature. This variant is reported in 0.0062% of alleles in individuals of African descent in gnomAD. At this time, the clinical significance of this variant is uncertain due to the absence of conclusive functional and genetic evidence.

Blueprint Genetics
Classification: Likely benign. Last evaluated: 2023-08-17. Review status: criteria provided, single submitter. Criteria: ACMG Guidelines, 2015. Collection method: clinical testing. Allele origin: germline.